The following is an entry in ClinVar:

NM_014208.3(DSPP):c.512G>A (p.Gly171Asp)

Genes: DMP1-AS1 (DMP1 and DSPP antisense RNA 1; minus strand), DSPP (dentin sialophosphoprotein; plus strand). Cytogenetic location: 4q22.1.
Variant type: single nucleotide variant.
Coding change: c.512G>A on transcript NM_014208.3 (MANE Select); coding-DNA position 512, G replaced by A.
Protein change: p.Gly171Asp; replaces glycine 171 with aspartic acid.
Molecular consequence: missense variant.
Genome position (GRCh38, 1-based): chr4:87,612,698, G>A. VCF-style: chr4-87612698-G-A. GRCh37 (hg19) VCF-style: chr4-88533850-G-A.
Other names: short protein forms G171D.
Identifiers: ClinVar variation 3086026 (VCV003086026.5), dbSNP rs370969954, ClinGen allele CA3000909.

ClinVar aggregate classification (germline): Uncertain significance. Review status: criteria provided, multiple submitters, no conflicts (2 of 4 stars). 4 submissions from 4 submitters: Uncertain significance (4). Last evaluated 2025-09-09.

Conditions:
Inborn genetic diseases. Identifiers: MedGen C0950123, MeSH D030342.
DSPP-related disorder. Also called: DSPP-related condition.

Allele frequency attached by ClinVar (database versions not stated): ExAC 0.00002; ESP Exome Variant Server 0.00008.
gnomAD v4.1: 187 of 1,614,058 alleles (0.012%); highest among the groups gnomAD compares: Non-Finnish European, 0.015%; no homozygotes.

Submissions (4):

PreventionGenetics, part of Exact Sciences
Classification: Uncertain significance for DSPP-related condition. Last evaluated: 2025-09-09. Review status: criteria provided, single submitter. Criteria: ACMG Guidelines, 2015. Collection method: clinical testing. Allele origin: germline.
Comment: The DSPP c.512G>A variant is predicted to result in the amino acid substitution p.Gly171Asp. To our knowledge, this variant has not been reported in the literature. This variant is reported in 0.0039% of alleles in individuals of European (Non-Finnish) descent in gnomAD. At this time, the clinical significance of this variant is uncertain due to the absence of conclusive functional and genetic evidence.

Labcorp Genetics (formerly Invitae), Labcorp
Classification: Uncertain significance. Last evaluated: 2025-05-09. Review status: criteria provided, single submitter. Criteria: Invitae Variant Classification Sherloc (09022015). Collection method: clinical testing. Allele origin: germline.
Comment: This sequence change replaces glycine, which is neutral and non-polar, with aspartic acid, which is acidic and polar, at codon 171 of the DSPP protein (p.Gly171Asp). This variant is present in population databases (rs370969954, gnomAD 0.005%). This variant has not been reported in the literature in individuals affected with DSPP-related conditions. ClinVar contains an entry for this variant (Variation ID: 3086026). An algorithm developed to predict the effect of missense changes on protein structure and function (PolyPhen-2) suggests that this variant is likely to be disruptive. In summary, the available evidence is currently insufficient to determine the role of this variant in disease. Therefore, it has been classified as a Variant of Uncertain Significance.

GeneDx
Classification: Uncertain significance. Last evaluated: 2024-03-22. Review status: criteria provided, single submitter. Criteria: GeneDx Variant Classification Process June 2021. Collection method: clinical testing. Allele origin: germline. Affected: yes.
Comment: In silico analysis supports that this missense variant does not alter protein structure/function; Has not been previously published as pathogenic or benign to our knowledge

Ambry Genetics
Classification: Uncertain significance for Inborn genetic diseases. Last evaluated: 2023-12-21. Review status: criteria provided, single submitter. Criteria: Ambry Variant Classification Scheme 2023. Collection method: clinical testing. Allele origin: germline.